The following is an entry in ClinVar:

ClinVar aggregate classification (germline): Uncertain significance (1 of 4 stars; one submission).

Conditions:
Nephronophthisis. Also called: Juvenile Nephronophthisis. Identifiers: Orphanet 655, MedGen C0687120, MONDO:0019005, HP:0000090.

Allele frequency attached by ClinVar (database versions not stated): gnomAD exomes below 0.00001; gnomAD 0.00001; TOPMed 0.00002.
gnomAD v4.1: 7 of 1,609,476 alleles (0.00043%); highest among the groups gnomAD compares: Non-Finnish European, 0.0006%; no homozygotes.

Submission:

Labcorp Genetics (formerly Invitae), Labcorp
Classification: Uncertain significance for Nephronophthisis. Last evaluated: 2022-08-12. Review status: criteria provided, single submitter. Criteria: Invitae Variant Classification Sherloc (09022015). Collection method: clinical testing. Allele origin: germline.
Comment: Algorithms developed to predict the effect of missense changes on protein structure and function are either unavailable or do not agree on the potential impact of this missense change (SIFT: "Deleterious"; PolyPhen-2: "Benign"; Align-GVGD: "Class C0"). In summary, the available evidence is currently insufficient to determine the role of this variant in disease. Therefore, it has been classified as a Variant of Uncertain Significance. This variant has not been reported in the literature in individuals affected with NPHP3-related conditions. This variant is present in population databases (no rsID available, gnomAD 0.0009%). This sequence change replaces tryptophan, which is neutral and slightly polar, with glycine, which is neutral and non-polar, at codon 827 of the NPHP3 protein (p.Trp827Gly).

NM_153240.5(NPHP3):c.2479T>G (p.Trp827Gly)

Genes: NPHP3 (nephrocystin 3; minus strand), NPHP3-ACAD11 (NPHP3-ACAD11 readthrough (NMD candidate); minus strand). Cytogenetic location: 3q22.1.
Variant type: single nucleotide variant.
Coding change: c.2479T>G on transcript NM_153240.5 (MANE Select); coding-DNA position 2479, T replaced by G.
Protein change: p.Trp827Gly; replaces tryptophan 827 with glycine.
Molecular consequence: missense variant. On other transcripts: non-coding transcript variant (1).
Genome position (GRCh38, 1-based): chr3:132,691,283, A>C on the plus strand (T>G on the coding strand, the complement: NPHP3 is on the minus strand). VCF-style: chr3-132691283-A-C. GRCh37 (hg19) VCF-style: chr3-132410127-A-C.
Other names: short protein forms W827G.
Identifiers: ClinVar variation 1989226 (VCV001989226.4), dbSNP rs911906588, ClinGen allele CA83586381.